The following is an entry in ClinVar:

NM_002878.4(RAD51D):c.638C>G (p.Ser213Cys)

Genes: RAD51D (RAD51 paralog D; minus strand), RAD51L3-RFFL (RAD51L3-RFFL readthrough; minus strand). Cytogenetic location: 17q12.
Variant type: single nucleotide variant.
Coding change: c.638C>G on transcript NM_002878.4 (MANE Select); coding-DNA position 638, C replaced by G.
Protein change: p.Ser213Cys; replaces serine 213 with cysteine.
Molecular consequence: missense variant. On other transcripts: non-coding transcript variant (3).
Genome position (GRCh38, 1-based): chr17:35,103,483, G>C on the plus strand (C>G on the coding strand, the complement: RAD51D is on the minus strand). VCF-style: chr17-35103483-G-C. GRCh37 (hg19) VCF-style: chr17-33430502-G-C.
Other names: c.698C>G, p.Ser233Cys (NM_001142571.2); c.302C>G, p.Ser101Cys (NM_133629.3); short protein forms S101C, S213C, S233C.
Identifiers: ClinVar variation 3362243 (VCV003362243.2).

ClinVar aggregate classification (germline): Uncertain significance (1 of 4 stars; one submission).

Conditions:
Breast-ovarian cancer, familial, susceptibility to, 4. Identifiers: Orphanet 145, MedGen C3280345, MONDO:0013669, OMIM 614291.

Submission:

KCCC/NGS Laboratory, Kuwait Cancer Control Center
Classification: Uncertain significance for Breast-ovarian cancer, familial, susceptibility to, 4. Last evaluated: 2024-10-08. Review status: criteria provided, single submitter. Criteria: ACMG Guidelines, 2015. Collection method: clinical testing. Allele origin: germline. Inheritance: Autosomal dominant inheritance. Affected: yes. Observed: 1 heterozygote.
Comment: This sequence change replaces serine with cystine at codon 101 of the RAD51D protein (p.Ser101Cys).This amino acid postion is moderate conservative (PhyloP=3.6). This variant not present in population databases (gnomAD) nor in our local database . This variant has not been reported in the literature in individuals affected with RAD51D-related conditions . This variant not reported ClinVar database . In silico tools suggest that this variant is likely to be disease causing (SIFT= 0.07- PolyPhen=0.999) In summary, the available evidence is currently insufficient to determine the role of this variant in disease. Therefore, it has been classified as a Variant of Uncertain Significance.